The following is an entry in ClinVar:

NM_022081.6(HPS4):c.1407G>T (p.Leu469Phe)

Gene: HPS4 (HPS4 biogenesis of lysosomal organelles complex 3 subunit 2; minus strand). Cytogenetic location: 22q12.1.
Variant type: single nucleotide variant.
Coding change: c.1407G>T on transcript NM_022081.6 (MANE Select); coding-DNA position 1407, G replaced by T.
Protein change: p.Leu469Phe; replaces leucine 469 with phenylalanine.
Molecular consequence: missense variant. On other transcripts: non-coding transcript variant (8).
Genome position (GRCh38, 1-based): chr22:26,464,223, C>A on the plus strand (G>T on the coding strand, the complement: HPS4 is on the minus strand). VCF-style: chr22-26464223-C-A. GRCh37 (hg19) VCF-style: chr22-26860189-C-A.
Other names: c.1461G>T, p.Leu487Phe (NM_001349901.1, NM_001349900.2); c.1407G>T, p.Leu469Phe (NM_001349902.1, NM_001349905.1, NM_001410832.1 and 5 more transcripts); c.1392G>T, p.Leu464Phe (NM_152841.2); short protein forms L464F, L469F, L487F.
Identifiers: ClinVar variation 1944061 (VCV001944061.2), dbSNP rs2087965312, ClinGen allele CA411027073.

ClinVar aggregate classification (germline): Uncertain significance (1 of 4 stars; one submission).

Allele frequency attached by ClinVar (database versions not stated): TOPMed below 0.00001.

Submission:

Labcorp Genetics (formerly Invitae), Labcorp
Classification: Uncertain significance. Last evaluated: 2022-02-14. Review status: criteria provided, single submitter. Criteria: Invitae Variant Classification Sherloc (09022015). Collection method: clinical testing. Allele origin: germline.
Comment: This sequence change replaces leucine, which is neutral and non-polar, with phenylalanine, which is neutral and non-polar, at codon 469 of the HPS4 protein (p.Leu469Phe). This variant is not present in population databases (gnomAD no frequency). This variant has not been reported in the literature in individuals affected with HPS4-related conditions. Algorithms developed to predict the effect of missense changes on protein structure and function (SIFT, PolyPhen-2, Align-GVGD) all suggest that this variant is likely to be tolerated. In summary, the available evidence is currently insufficient to determine the role of this variant in disease. Therefore, it has been classified as a Variant of Uncertain Significance.